The following is an entry in ClinVar:

ClinVar aggregate classification (germline): Conflicting classifications of pathogenicity. Review status: criteria provided, conflicting classifications (1 of 4 stars). 2 submissions from 2 submitters: Likely pathogenic (1); Uncertain significance (1). Last evaluated 2024-02-16.

Submissions (2):

GeneDx
Classification: Uncertain significance. Last evaluated: 2024-02-16. Review status: criteria provided, single submitter. Criteria: GeneDx Variant Classification Process June 2021. Collection method: clinical testing. Allele origin: germline. Affected: yes.
Comment: Not observed at significant frequency in large population cohorts (gnomAD); In silico analysis is inconclusive as to whether the variant alters gene splicing. In the absence of RNA/functional studies, the actual effect of this sequence change is unknown.; Has not been previously published as pathogenic or benign to our knowledge

Labcorp Genetics (formerly Invitae), Labcorp
Classification: Likely pathogenic. Last evaluated: 2024-02-05. Review status: criteria provided, single submitter. Criteria: Invitae Variant Classification Sherloc (09022015). Collection method: clinical testing. Allele origin: germline.
Comment: This sequence change falls in intron 54 of the COL11A1 gene. It does not directly change the encoded amino acid sequence of the COL11A1 protein. It affects a nucleotide within the consensus splice site. This variant is not present in population databases (gnomAD no frequency). This variant has been observed in individual(s) with Stickler syndrome (Invitae). It has also been observed to segregate with disease in related individuals. ClinVar contains an entry for this variant (Variation ID: 2032765). Variants that disrupt the consensus splice site are a relatively common cause of aberrant splicing (PMID: 17576681, 9536098). Algorithms developed to predict the effect of sequence changes on RNA splicing suggest that this variant may disrupt the consensus splice site. In summary, the currently available evidence indicates that the variant is pathogenic, but additional data are needed to prove that conclusively. Therefore, this variant has been classified as Likely Pathogenic.

Literature cited by the submitters: PubMed 17576681 (cited by Labcorp Genetics (formerly Invitae), Labcorp); PubMed 9536098 (cited by Labcorp Genetics (formerly Invitae), Labcorp).

NM_001854.4(COL11A1):c.4086+5G>A

Gene: COL11A1 (collagen type XI alpha 1 chain; minus strand). Cytogenetic location: 1p21.1.
Variant type: single nucleotide variant.
Coding change: c.4086+5G>A on transcript NM_001854.4 (MANE Select); 5 bases into the intron after coding-DNA position 4086, G replaced by A.
Molecular consequence: intron variant.
Genome position (GRCh38, 1-based): chr1:102,912,154, C>T on the plus strand (G>A on the coding strand, the complement: COL11A1 is on the minus strand). VCF-style: chr1-102912154-C-T. GRCh37 (hg19) VCF-style: chr1-103377710-C-T.
Other names: c.3969+5G>A (NM_001190709.2); c.4122+5G>A (NM_080629.3); c.3738+5G>A (NM_080630.4).
Identifiers: ClinVar variation 2032765 (VCV002032765.5), dbSNP rs2524454786, ClinGen allele CA2580060720.